The following is an entry in ClinVar:

NM_001004320.2(AGMO):c.701A>G (p.Lys234Arg)

Gene: AGMO (alkylglycerol monooxygenase; minus strand). Cytogenetic location: 7p21.2.
Variant type: single nucleotide variant.
Coding change: c.701A>G on transcript NM_001004320.2 (MANE Select); coding-DNA position 701, A replaced by G.
Protein change: p.Lys234Arg; replaces lysine 234 with arginine.
Molecular consequence: missense variant.
Genome position (GRCh38, 1-based): chr7:15,390,881, T>C on the plus strand (A>G on the coding strand, the complement: AGMO is on the minus strand). VCF-style: chr7-15390881-T-C. GRCh37 (hg19) VCF-style: chr7-15430506-T-C.
Other names: short protein forms K234R.
Identifiers: ClinVar variation 501880 (VCV000501880.8), dbSNP rs143439626, ClinGen allele CA4168633.

ClinVar aggregate classification (germline): Uncertain significance. Review status: criteria provided, multiple submitters, no conflicts (2 of 4 stars). 2 submissions from 2 submitters: Uncertain significance (2). Last evaluated 2023-08-01.

Allele frequency attached by ClinVar (database versions not stated): 1000 Genomes Project 30x 0.00094; 1000 Genomes Project 0.00120; gnomAD exomes 0.00019 and 0.00053; ExAC 0.00057; gnomAD 0.00064 and 0.00066; ESP Exome Variant Server 0.00070; TOPMed 0.00084.
gnomAD v4.1: 401 of 1,603,940 alleles (0.025%); highest among the groups gnomAD compares: African/African-American, 0.16%; no homozygotes.

Submissions (2):

GeneDx
Classification: Uncertain significance. Last evaluated: 2023-08-01. Review status: criteria provided, single submitter. Criteria: GeneDx Variant Classification Process June 2021. Collection method: clinical testing. Allele origin: germline. Affected: yes.
Comment: Identified with the R405X variant on the same allele (in cis) in individuals with relapses in visceral leishmaniasis infection after treatment; the [K234R;R405X] allele was observed in both the heterozygous and homozygous state in the affected individuals and was also heterozygous in unaffected parents (Marquet et al., 2017); Published functional studies demonstrate this variant only impairs protein expression and cellular activity when combined with p.(R405*) (Watschinger et al., 2018); In silico analysis supports that this missense variant has a deleterious effect on protein structure/function; This variant is associated with the following publications: (PMID: 29741738, 33530536, 28586473)

Eurofins Ntd Llc (ga)
Classification: Uncertain significance. Last evaluated: 2017-05-08. Review status: criteria provided, single submitter. Criteria: EGL Classification Definitions 2015. Collection method: clinical testing. Allele origin: germline. Observed: 1 variant allele, 1 heterozygote.